The following is an entry in ClinVar:

NM_001003699.4(RREB1):c.2402C>G (p.Ala801Gly)

Gene: RREB1 (ras responsive element binding protein 1; plus strand). Cytogenetic location: 6p24.3.
Variant type: single nucleotide variant.
Coding change: c.2402C>G on transcript NM_001003699.4 (MANE Select); coding-DNA position 2402, C replaced by G.
Protein change: p.Ala801Gly; replaces alanine 801 with glycine.
Molecular consequence: missense variant.
Genome position (GRCh38, 1-based): chr6:7,230,501, C>G. VCF-style: chr6-7230501-C-G. GRCh37 (hg19) VCF-style: chr6-7230734-C-G.
Other names: c.2402C>G, p.Ala801Gly (NM_001003698.4, NM_001003700.2, NM_001168344.2); short protein forms A801G.
Identifiers: ClinVar variation 5036992 (VCV005036992.1).

ClinVar aggregate classification (germline): Uncertain significance (1 of 4 stars; one submission).

Submission:

GeneDx
Classification: Uncertain significance. Last evaluated: 2026-04-14. Review status: criteria provided, single submitter. Criteria: GeneDx Variant Classification Process June 2021. Collection method: clinical testing. Allele origin: germline.
Comment: Not observed at significant frequency in large population cohorts (gnomAD); In silico analysis supports that this missense variant has a deleterious effect on protein structure/function; Has not been previously published as pathogenic or benign to our knowledge